The following is an entry in ClinVar:

NM_020937.4(FANCM):c.1855C>T (p.Leu619Phe)

Gene: FANCM (FA complementation group M; plus strand). Cytogenetic location: 14q21.2.
Variant type: single nucleotide variant.
Coding change: c.1855C>T on transcript NM_020937.4 (MANE Select); coding-DNA position 1855, C replaced by T.
Protein change: p.Leu619Phe; replaces leucine 619 with phenylalanine.
Molecular consequence: missense variant.
Genome position (GRCh38, 1-based): chr14:45,167,016, C>T. VCF-style: chr14-45167016-C-T. GRCh37 (hg19) VCF-style: chr14-45636219-C-T.
Other names: c.1777C>T, p.Leu593Phe (NM_001308133.2); c.1855C>T, p.Leu619Phe (NM_001308134.2); short protein forms L619F, L593F.
Identifiers: ClinVar variation 4022844 (VCV004022844.1).
Genomic context (GRCh38, chr14:45,167,016, plus strand): 5'-AATCAGAGTCAGTCCAACAAAAGAAGTATATATAAAGCTATTTCAAGTAACAGGCAGGTC[C>T]TTCATTTTTACCAAAGAAGTCCACGAATGGTTCCTGATGGAATCAACCCAAAATTACACA-3'
Protein context (NP_065988.1, residues 609-629): YKAISSNRQV[Leu619Phe]HFYQRSPRMV

ClinVar aggregate classification (germline): Uncertain significance (1 of 4 stars; one submission).

Conditions:
Inborn genetic diseases. Identifiers: MedGen C0950123, MeSH D030342.

Submission:

Ambry Genetics
Classification: Uncertain significance for Inborn genetic diseases. Last evaluated: 2025-06-02. Review status: criteria provided, single submitter. Criteria: Ambry Variant Classification Scheme 2023. Collection method: clinical testing. Allele origin: germline.
Comment: The p.L619F variant (also known as c.1855C>T), located in coding exon 11 of the FANCM gene, results from a C to T substitution at nucleotide position 1855. The leucine at codon 619 is replaced by phenylalanine, an amino acid with highly similar properties. This amino acid position is conserved. In addition, this alteration is predicted to be tolerated by in silico analysis. Based on the available evidence, the clinical significance of this variant remains unclear.